The following is an entry in ClinVar:

NM_004385.5(VCAN):c.5719G>C (p.Val1907Leu)

Genes: VCAN (versican; plus strand), VCAN-AS1 (VCAN antisense RNA 1; minus strand). Cytogenetic location: 5q14.3.
Variant type: single nucleotide variant.
Coding change: c.5719G>C on transcript NM_004385.5 (MANE Select); coding-DNA position 5719, G replaced by C.
Protein change: p.Val1907Leu; replaces valine 1907 with leucine.
Molecular consequence: missense variant. On other transcripts: intron variant (2).
Genome position (GRCh38, 1-based): chr5:83,538,722, G>C. VCF-style: chr5-83538722-G-C. GRCh37 (hg19) VCF-style: chr5-82834541-G-C.
Other names: c.2758G>C, p.Val920Leu (NM_001164097.2); c.4004-6815G>C (NM_001164098.2); c.1043-6815G>C (NM_001126336.3); short protein forms V1907L, V920L.
Identifiers: ClinVar variation 1430421 (VCV001430421.7), dbSNP rs1269108396, ClinGen allele CA360311002.

ClinVar aggregate classification (germline): Uncertain significance (1 of 4 stars; one submission).

Allele frequency attached by ClinVar (database versions not stated): gnomAD exomes below 0.00001.
gnomAD v4.1: 3 of 1,614,076 alleles (0.00019%); highest among the groups gnomAD compares: Admixed American, 0.0033%; no homozygotes.

Submission:

Labcorp Genetics (formerly Invitae), Labcorp
Classification: Uncertain significance. Last evaluated: 2022-09-27. Review status: criteria provided, single submitter. Criteria: Invitae Variant Classification Sherloc (09022015). Collection method: clinical testing. Allele origin: germline.
Comment: In summary, the available evidence is currently insufficient to determine the role of this variant in disease. Therefore, it has been classified as a Variant of Uncertain Significance. Algorithms developed to predict the effect of missense changes on protein structure and function output the following: SIFT: "Tolerated"; PolyPhen-2: "Benign"; Align-GVGD: "Class C0". The leucine amino acid residue is found in multiple mammalian species, which suggests that this missense change does not adversely affect protein function. ClinVar contains an entry for this variant (Variation ID: 1430421). This missense change has been observed in individual(s) with retinitis pigmentosa (Invitae). This variant is present in population databases (no rsID available, gnomAD 0.003%). This sequence change replaces valine, which is neutral and non-polar, with leucine, which is neutral and non-polar, at codon 1907 of the VCAN protein (p.Val1907Leu).